The following is an entry in ClinVar:

ClinVar aggregate classification (germline): Likely benign. Review status: criteria provided, multiple submitters, no conflicts (2 of 4 stars). 4 submissions from 4 submitters: Likely benign (3). 1 of the submissions does not count toward it. Last evaluated 2025-12-01.

Conditions:
MKS1-related disorder. Also called: MKS1-related condition; MKS1-related disorders. Identifiers: MedGen CN239382.
Meckel-Gruber syndrome. Also called: DYSENCEPHALIA SPLANCHNOCYSTICA; GRUBER SYNDROME; Dysencephalia splachnocystica. Identifiers: Orphanet 564, MedGen C0265215, MONDO:0018921.
Joubert syndrome. Also called: Familial aplasia of the vermis; JOUBERT-BOLTSHAUSER SYNDROME. Identifiers: Orphanet 475, MedGen C5979921, MONDO:0018772.

Allele frequency attached by ClinVar (database versions not stated): ExAC 0.00002; gnomAD exomes 0.00002; gnomAD 0.00004; TOPMed 0.00005; ESP Exome Variant Server 0.00008.
gnomAD v4.1: 28 of 1,614,032 alleles (0.0017%); highest among the groups gnomAD compares: African/African-American, 0.008%; no homozygotes.

Submissions (4):

Labcorp Genetics (formerly Invitae), Labcorp
Classification: Likely benign for Joubert syndrome; Meckel-Gruber syndrome. Last evaluated: 2025-12-01. Review status: criteria provided, single submitter. Criteria: Invitae Variant Classification Sherloc (09022015). Collection method: clinical testing. Allele origin: germline.

Blueprint Genetics
Classification: Likely benign. Last evaluated: 2024-06-05. Review status: criteria provided, single submitter. Criteria: ACMG Guidelines, 2015. Collection method: clinical testing. Allele origin: germline.

Breakthrough Genomics
Classification: Likely benign. Review status: criteria provided, single submitter. Criteria: ACMG Guidelines, 2015. Collection method: not provided. Allele origin: germline. Inheritance: Autosomal recessive inheritance. Affected: yes.

PreventionGenetics, part of Exact Sciences
Classification: Likely benign for MKS1-related condition. Last evaluated: 2023-03-14. Review status: no assertion criteria provided. Collection method: clinical testing. Allele origin: germline. Not counted in ClinVar's aggregate classification.
Comment: This variant is classified as likely benign based on ACMG/AMP sequence variant interpretation guidelines (Richards et al. 2015 PMID: 25741868, with internal and published modifications).

NM_017777.4(MKS1):c.822G>A (p.Pro274=)

Gene: MKS1 (MKS transition zone complex subunit 1; minus strand). Cytogenetic location: 17q22.
Variant type: single nucleotide variant.
Coding change: c.822G>A on transcript NM_017777.4 (MANE Select); coding-DNA position 822, G replaced by A.
Protein change: p.Pro274=; no amino-acid change (proline 274 retained).
Molecular consequence: synonymous variant.
Genome position (GRCh38, 1-based): chr17:58,213,018, C>T on the plus strand (G>A on the coding strand, the complement: MKS1 is on the minus strand). VCF-style: chr17-58213018-C-T. GRCh37 (hg19) VCF-style: chr17-56290379-C-T.
Other names: c.213G>A, p.Pro71= (NM_001321268.2); c.822G>A, p.Pro274= (NM_001321269.2, NM_001330397.2); c.822G>A (NM_017777.3).
Identifiers: ClinVar variation 1130426 (VCV001130426.13), dbSNP rs375557871, ClinGen allele CA8669399.
Genomic context (GRCh38, chr17:58,213,018, plus strand): 5'-TACTTGGAATGAACTTGCGCTTACATCCTTGAACACTCGCCGTTCCCGCTCCTCCTCCTC[C>T]GGCTGTGCGTGGGGGGAAACATTGTCGATCGTATATTTCCACAGCTCCTGCTTCTCCCCC-3'
Protein context (NP_060247.2, residues 264-284): TIDNVSPHAQ[Pro274=]EEEERERRVF